The following is an entry in ClinVar:

NM_020066.5(FMN2):c.3231G>A (p.Pro1077=)

Gene: FMN2 (formin 2; plus strand). Cytogenetic location: 1q43.
Variant type: single nucleotide variant.
Coding change: c.3231G>A on transcript NM_020066.5 (MANE Select); coding-DNA position 3231, G replaced by A.
Protein change: p.Pro1077=; no amino-acid change (proline 1077 retained).
Molecular consequence: synonymous variant. On other transcripts: intron variant (1).
Genome position (GRCh38, 1-based): chr1:240,208,043, G>A. VCF-style: chr1-240208043-G-A. GRCh37 (hg19) VCF-style: chr1-240371343-G-A.
Other names: c.3243G>A, p.Pro1081= (NM_001305424.2); c.1986+19781G>A (NM_001348094.2).
Identifiers: ClinVar variation 2640174 (VCV002640174.24), dbSNP rs200416403, ClinGen allele CA1477048.
Genomic context (GRCh38, chr1:240,208,043, plus strand): 5'-TCTTCCCGGAGCGGGCATACCTCCTCCACCCCCTCTACCCGGAGCGGGCATACCCCCTCC[G>A]CCCCCACTTCCCGGAGCGGGCATACCCCCACCTCCCCCTCTACCCGGAGCGGGCATACCC-3'
Protein context (NP_064450.3, residues 1067-1087): PPLPGAGIPP[Pro1077=]PPLPGAGIPP

ClinVar aggregate classification (germline): Likely benign (1 of 4 stars; one submission).

Submission:

CeGaT Center for Human Genetics Tuebingen
Classification: Likely benign. Last evaluated: 2026-07-01. Review status: criteria provided, single submitter. Criteria: CeGaT Center For Human Genetics Tuebingen Variant Classification Criteria Version 2. Collection method: clinical testing. Allele origin: germline. Affected: yes. Observed: 4 variant alleles.
Comment: FMN2: BP4, BP7